The following is an entry in ClinVar:

ClinVar aggregate classification (germline): Likely pathogenic (1 of 4 stars; one submission).

Conditions:
Hereditary cancer-predisposing syndrome. Also called: Neoplastic Syndromes, Hereditary; Tumor predisposition; Hereditary Cancer Syndrome; Hereditary neoplastic syndrome. Identifiers: Orphanet 140162, MedGen C0027672, MeSH D009386, MONDO:0015356.

Submission:

Ambry Genetics
Classification: Likely pathogenic for Hereditary cancer-predisposing syndrome. Last evaluated: 2026-01-06. Review status: criteria provided, single submitter. Criteria: Ambry Variant Classification Scheme 2023. Collection method: clinical testing. Allele origin: germline.
Comment: The c.8829_8830insAlu likely pathogenic variant results from the insertion of an Alu element between nucleotides 8829 and 8830 in coding exon 21 of the BRCA2 gene. Mobile element insertions contribute to pathogenicity by either disrupting the coding sequence or inducing aberrant splicing (Belancio VP et al. Semin. Cancer Biol. 2010 Aug;20:200-10; Deininger P et al. Genome Biol. 2011 Dec;12:236; van der Klift HM Hum Mutat. 2012 Jul;33(7):1051-5). An Alu insertion in this position was reported in a cohort of individuals undergoing genetic testing (single gene or panel) for hereditary cancer (Qian Y et al. Cancer Genet. 2017 Oct;216-217:159-169). Based on the majority of available evidence to date, this variant is likely to be pathogenic.

Literature cited by the submitters: PubMed 29025590.

NM_000059.3:c.8829_8830insALU

Gene: BRCA2 (BRCA2 DNA repair associated; plus strand).
Variant type: Insertion.
Identifiers: ClinVar variation 4842977 (VCV004842977.1).